The following is an entry in ClinVar:

NM_002637.4(PHKA1):c.1963C>T (p.Arg655Cys)

Gene: PHKA1 (phosphorylase kinase regulatory subunit alpha 1; minus strand). Cytogenetic location: Xq13.1.
Variant type: single nucleotide variant.
Coding change: c.1963C>T on transcript NM_002637.4 (MANE Select); coding-DNA position 1963, C replaced by T.
Protein change: p.Arg655Cys; replaces arginine 655 with cysteine.
Molecular consequence: missense variant. On other transcripts: intron variant (1).
Genome position (GRCh38, 1-based): chrX:72,620,899, G>A on the plus strand (C>T on the coding strand, the complement: PHKA1 is on the minus strand). VCF-style: chrX-72620899-G-A. GRCh37 (hg19) VCF-style: chrX-71840749-G-A.
Other names: c.1963C>T, p.Arg655Cys (NM_001122670.2, NM_001431068.1); c.1961-1594C>T (NM_001172436.2); short protein forms R655C.
Identifiers: ClinVar variation 3374861 (VCV003374861.1).

ClinVar aggregate classification (germline): Uncertain significance (1 of 4 stars; one submission).

gnomAD v4.1: 2 of 1,210,247 alleles (0.00017%); highest among the groups gnomAD compares: South Asian, 0.0018%; no homozygotes.

Submission:

Women's Health and Genetics/Laboratory Corporation of America, LabCorp
Classification: Uncertain significance. Last evaluated: 2024-09-12. Review status: criteria provided, single submitter. Criteria: LabCorp Variant Classification Summary - May 2015. Collection method: clinical testing. Allele origin: germline.
Comment: Variant summary: PHKA1 c.1963C>T (p.Arg655Cys) results in a non-conservative amino acid change located in the GH15-like domain (IPR011613) of the encoded protein sequence. Three of five in-silico tools predict a damaging effect of the variant on protein function. Consensus agreement among computation tools predict no significant impact on normal splicing. However, these predictions have yet to be confirmed by functional studies. The variant allele was found at a frequency of 5.5e-06 in 180898 control chromosomes. These data indicate that the variant may be associated with disease. To our knowledge, no experimental evidence demonstrating an impact on protein function has been reported. The following publication has been ascertained in the context of this evaluation (PMID: 34946936). No submitters have cited clinical-significance assessments for this variant to ClinVar. Based on the evidence outlined above, the variant was classified as VUS-possibly pathogenic.

Literature cited by the submitters: PubMed 34946936.